The following is an entry in ClinVar:

NM_001370259.2(MEN1):c.913-15del

Gene: MEN1 (menin 1; minus strand). Cytogenetic location: 11q13.1.
Variant type: Deletion.
Coding change: c.913-15del on transcript NM_001370259.2 (MANE Select); 15 bases into the intron before coding-DNA position 913, one base deleted (C; older notation c.913-15delC).
Molecular consequence: intron variant.
Genome position (GRCh38, 1-based): chr11:64,806,383, G deleted on the plus strand (C on the coding strand, the reverse complement: MEN1 is on the minus strand); the first of 2 consecutive G bases (chr11:64,806,383-64,806,384); deleting either gives the same sequence. VCF-style (leftmost placement, unchanged base first): chr11-64806382-AG-A. GRCh37 (hg19) VCF-style: chr11-64573854-AG-A.
Other names: c.928-15del (NM_130804.3, NM_130803.3, NM_000244.4 and 3 more transcripts); c.913-15del (NM_130799.3, NM_001370260.2, NM_001370251.2 and 2 more transcripts); c.808-15del (NM_001370263.2, NM_001370262.2).
Identifiers: ClinVar variation 1627690 (VCV001627690.11), dbSNP rs2136122252, ClinGen allele CA2573147457.

ClinVar aggregate classification (germline): Likely benign. Review status: criteria provided, multiple submitters, no conflicts (2 of 4 stars). 3 submissions from 3 submitters: Likely benign (3). Last evaluated 2026-01-28.

Conditions:
Multiple endocrine neoplasia, type 1 (MEN1). Also called: MEA I; Endocrine adenomatosis multiple; MEN 1; MEN I; WERMER SYNDROME. Identifiers: Orphanet 652, MedGen C0025267, MeSH D018761, MONDO:0007540, OMIM 131100.

Submissions (3):

Labcorp Genetics (formerly Invitae), Labcorp
Classification: Likely benign for Multiple endocrine neoplasia, type 1. Last evaluated: 2026-01-28. Review status: criteria provided, single submitter. Criteria: Invitae Variant Classification Sherloc (09022015). Collection method: clinical testing. Allele origin: germline.

Myriad Genetics, Inc.
Classification: Likely benign for Multiple endocrine neoplasia, type 1. Last evaluated: 2024-11-04. Review status: criteria provided, single submitter. Criteria: Myriad Autosomal Dominant, Autosomal Recessive and X-Linked Classification Criteria (2023). Collection method: clinical testing. Allele origin: unknown.
Comment: This variant is considered likely benign. This variant is intronic and is not expected to impact mRNA splicing.

Color Diagnostics, LLC DBA Color Health
Classification: Likely benign for Multiple endocrine neoplasia, type 1. Last evaluated: 2023-03-30. Review status: criteria provided, single submitter. Criteria: ACMG Guidelines, 2015. Collection method: clinical testing. Allele origin: germline.